The following is an entry in ClinVar:

ClinVar aggregate classification (germline): Uncertain significance (1 of 4 stars; one submission).

Conditions:
Alport syndrome 3b, autosomal recessive. Identifiers: MedGen C5882699, MONDO:0957811, OMIM 620536.
Hematuria, benign familial, 2 (BFH2). Identifiers: MedGen C5830421, MONDO:0958186, OMIM 620320.
Autosomal dominant Alport syndrome (ATS3A). Also called: ALPORT SYNDROME 3A, AUTOSOMAL DOMINANT; Alport syndrome dominant type; Renal failure and sensorineural hearing loss. Identifiers: Orphanet 63, Orphanet 88918, MedGen C5882663, MONDO:0007086, OMIM 104200.

Submission:

Juno Genomics, Hangzhou Juno Genomics, Inc
Classification: Uncertain significance for Autosomal dominant Alport syndrome; Alport syndrome 3b, autosomal recessive; Hematuria, benign familial, 2. Review status: criteria provided, single submitter. Criteria: ACMG Guidelines, 2015. Collection method: clinical testing. Allele origin: germline.
Comment: Absent from controls (or at extremely low frequency if recessive) in Genome Aggregation Database.;Multiple lines of computational evidence support a deleterious effect on the gene or gene product.

NM_000091.5(COL4A3):c.4922T>C (p.Met1641Thr)

Genes: COL4A3 (collagen type IV alpha 3 chain; plus strand), MFF-DT (MFF divergent transcript; minus strand). Cytogenetic location: 2q36.3.
Variant type: single nucleotide variant.
Coding change: c.4922T>C on transcript NM_000091.5 (MANE Select); coding-DNA position 4922, T replaced by C.
Protein change: p.Met1641Thr; replaces methionine 1641 with threonine.
Molecular consequence: missense variant.
Genome position (GRCh38, 1-based): chr2:227,310,942, T>C. VCF-style: chr2-227310942-T-C. GRCh37 (hg19) VCF-style: chr2-228175658-T-C.
Other names: short protein forms M1641T.
Identifiers: ClinVar variation 5006242 (VCV005006242.2).